The following is an entry in ClinVar:

ClinVar aggregate classification (germline): Uncertain significance. Review status: criteria provided, multiple submitters, no conflicts (2 of 4 stars). 2 submissions from 2 submitters: Uncertain significance (2). Last evaluated 2025-05-15.

Conditions:
PLXNA3-related disorder. Also called: PLXNA3-related condition.

Allele frequency attached by ClinVar (database versions not stated): 1000 Genomes Project 30x 0.00021.
gnomAD v4.1: 235 of 1,209,714 alleles (0.019%); highest among the groups gnomAD compares: South Asian, 0.14%; 1 homozygote.

Submissions (2):

PreventionGenetics, part of Exact Sciences
Classification: Uncertain significance for PLXNA3-related condition. Last evaluated: 2025-05-15. Review status: criteria provided, single submitter. Criteria: ACMG Guidelines, 2015. Collection method: clinical testing. Allele origin: germline.
Comment: The PLXNA3 c.5467G>A variant is predicted to result in the amino acid substitution p.Val1823Ile. To our knowledge, this variant has not been reported in the literature. This variant is reported in 0.14% of alleles in individuals of South Asian descent in gnomAD, including 20 hemizygous individuals. Although we suspect that this variant may be benign, at this time, the clinical significance of this variant is uncertain due to the absence of conclusive functional and genetic evidence.

Ambry Genetics
Classification: Uncertain significance. Last evaluated: 2022-10-04. Review status: criteria provided, single submitter. Criteria: Ambry Variant Classification Scheme 2023. Collection method: clinical testing. Allele origin: germline.

NM_017514.5(PLXNA3):c.5467G>A (p.Val1823Ile)

Gene: PLXNA3 (plexin A3; plus strand). Cytogenetic location: Xq28.
Variant type: single nucleotide variant.
Coding change: c.5467G>A on transcript NM_017514.5 (MANE Select); coding-DNA position 5467, G replaced by A.
Protein change: p.Val1823Ile; replaces valine 1823 with isoleucine.
Molecular consequence: missense variant.
Genome position (GRCh38, 1-based): chrX:154,471,585, G>A. VCF-style: chrX-154471585-G-A. GRCh37 (hg19) VCF-style: chrX-153699928-G-A.
Other names: short protein forms V1823I.
Identifiers: ClinVar variation 2410194 (VCV002410194.5), dbSNP rs782426462, ClinGen allele CA10565129.